The following is an entry in ClinVar:

NM_001127178.3(PIGG):c.623G>A (p.Trp208Ter)

Gene: PIGG (phosphatidylinositol glycan anchor biosynthesis class G (EMM blood group); plus strand). Cytogenetic location: 4p16.3.
Variant type: single nucleotide variant.
Coding change: c.623G>A on transcript NM_001127178.3 (MANE Select); coding-DNA position 623, G replaced by A.
Protein change: p.Trp208Ter; replaces tryptophan 208 with a stop codon.
Molecular consequence: nonsense. On other transcripts: 5 prime UTR variant (4), non-coding transcript variant (10), intron variant (1).
Genome position (GRCh38, 1-based): chr4:507,457, G>A. VCF-style: chr4-507457-G-A. GRCh37 (hg19) VCF-style: chr4-501246-G-A.
Other names: c.356G>A, p.Trp119Ter (NM_001289051.2, NM_001289053.2, NM_001289057.2 and 2 more transcripts); c.257G>A, p.Trp86Ter (NM_001289055.2); c.-265G>A (NM_001345988.2); c.623G>A, p.Trp208Ter (NM_001345989.2, NM_017733.5); c.-1003G>A (NM_001345990.2); c.-865G>A (NM_001345991.2); c.-590G>A (NM_001345994.2); c.361-1372G>A (NM_001289052.2); short protein forms W208*, W86*, W119*.
Identifiers: ClinVar variation 1401894 (VCV001401894.6), dbSNP rs1720118439, ClinGen allele CA355896893.

ClinVar aggregate classification (germline): Pathogenic (1 of 4 stars; one submission).

Conditions:
Intellectual disability, autosomal recessive 53 (NEDHSCA). Also called: GLYCOSYLPHOSPHATIDYLINOSITOL BIOSYNTHESIS DEFECT 13; Mental retardation, autosomal recessive 53; NEURODEVELOPMENTAL DISORDER WITH OR WITHOUT HYPOTONIA, SEIZURES, AND CEREBELLAR ATROPHY. Identifiers: Orphanet 488635, MedGen C4310794, MONDO:0014832, OMIM 616917.

Submission:

Labcorp Genetics (formerly Invitae), Labcorp
Classification: Pathogenic for Intellectual disability, autosomal recessive 53. Last evaluated: 2021-07-16. Review status: criteria provided, single submitter. Criteria: Invitae Variant Classification Sherloc (09022015). Collection method: clinical testing. Allele origin: germline.
Comment: This variant has not been reported in the literature in individuals affected with PIGG-related conditions. For these reasons, this variant has been classified as Pathogenic. This sequence change creates a premature translational stop signal (p.Trp208*) in the PIGG gene. It is expected to result in an absent or disrupted protein product. Loss-of-function variants in PIGG are known to be pathogenic (PMID: 26996948, 28581210, 28771251). This variant is not present in population databases (ExAC no frequency).

Literature cited by the submitters: PubMed 26996948; PubMed 28581210; PubMed 28771251.